The following is an entry in ClinVar:

ClinVar aggregate classification (germline): Uncertain significance. Review status: criteria provided, multiple submitters, no conflicts (2 of 4 stars). 2 submissions from 2 submitters: Uncertain significance (2). Last evaluated 2024-10-14.

Allele frequency attached by ClinVar (database versions not stated): ExAC 0.00001; gnomAD 0.00001; gnomAD exomes 0.00001; TOPMed 0.00001; 1000 Genomes Project 30x 0.00016; 1000 Genomes Project 0.00020.

Submissions (2):

Blueprint Genetics
Classification: Uncertain significance. Last evaluated: 2024-10-14. Review status: criteria provided, single submitter. Criteria: ACMG Guidelines, 2015. Collection method: clinical testing. Allele origin: germline.

Labcorp Genetics (formerly Invitae), Labcorp
Classification: Uncertain significance. Last evaluated: 2024-02-16. Review status: criteria provided, single submitter. Criteria: Invitae Variant Classification Sherloc (09022015). Collection method: clinical testing. Allele origin: germline.
Comment: This sequence change replaces arginine, which is basic and polar, with cysteine, which is neutral and slightly polar, at codon 226 of the NR2E3 protein (p.Arg226Cys). This variant is present in population databases (rs573593965, gnomAD 0.003%). This variant has not been reported in the literature in individuals affected with NR2E3-related conditions. ClinVar contains an entry for this variant (Variation ID: 2201894). Advanced modeling of protein sequence and biophysical properties (such as structural, functional, and spatial information, amino acid conservation, physicochemical variation, residue mobility, and thermodynamic stability) performed at Invitae indicates that this missense variant is expected to disrupt NR2E3 protein function with a positive predictive value of 80%. In summary, the available evidence is currently insufficient to determine the role of this variant in disease. Therefore, it has been classified as a Variant of Uncertain Significance.

NM_014249.4(NR2E3):c.676C>T (p.Arg226Cys)

Gene: NR2E3 (nuclear receptor subfamily 2 group E member 3; plus strand). Cytogenetic location: 15q23.
Variant type: single nucleotide variant.
Coding change: c.676C>T on transcript NM_014249.4 (MANE Select); coding-DNA position 676, C replaced by T.
Protein change: p.Arg226Cys; replaces arginine 226 with cysteine.
Molecular consequence: missense variant.
Genome position (GRCh38, 1-based): chr15:71,812,440, C>T. VCF-style: chr15-71812440-C-T. GRCh37 (hg19) VCF-style: chr15-72104780-C-T.
Other names: c.676C>T, p.Arg226Cys (NM_016346.4); short protein forms R226C.
Identifiers: ClinVar variation 2201894 (VCV002201894.4), dbSNP rs573593965, ClinGen allele CA7640371.
Genomic context (GRCh38, chr15:71,812,440, plus strand): 5'-TCCTCTCCATACTCCTCTTCCTCCCCCTGCGGCCTGGACAGCATCCATGAGACCTCGGCT[C>T]GCCTACTCTTCATGGCCGTCAAGTGGGCCAAGAACCTGCCTGTGTTCTCCAGCCTGCCCT-3'
Protein context (NP_055064.1, residues 216-236): GLDSIHETSA[Arg226Cys]LLFMAVKWAK